The following is an entry in ClinVar:

NM_004958.4(MTOR):c.4212C>G (p.Phe1404Leu)

Gene: MTOR (mechanistic target of rapamycin kinase; minus strand). Cytogenetic location: 1p36.22.
Variant type: single nucleotide variant.
Coding change: c.4212C>G on transcript NM_004958.4 (MANE Select); coding-DNA position 4212, C replaced by G.
Protein change: p.Phe1404Leu; replaces phenylalanine 1404 with leucine.
Molecular consequence: missense variant.
Genome position (GRCh38, 1-based): chr1:11,199,299, G>C on the plus strand (C>G on the coding strand, the complement: MTOR is on the minus strand). VCF-style: chr1-11199299-G-C. GRCh37 (hg19) VCF-style: chr1-11259356-G-C.
Other names: c.4212C>G, p.Phe1404Leu (NM_001386500.1); c.2964C>G, p.Phe988Leu (NM_001386501.1); short protein forms F1404L, F988L.
Identifiers: ClinVar variation 4762954 (VCV004762954.1).

ClinVar aggregate classification (germline): Uncertain significance (1 of 4 stars; one submission).

Submission:

Labcorp Genetics (formerly Invitae), Labcorp
Classification: Uncertain significance. Last evaluated: 2026-01-13. Review status: criteria provided, single submitter. Criteria: Invitae Variant Classification Sherloc (09022015). Collection method: clinical testing. Allele origin: germline.
Comment: This sequence change replaces phenylalanine, which is neutral and non-polar, with leucine, which is neutral and non-polar, at codon 1404 of the MTOR protein (p.Phe1404Leu). This variant is not present in population databases (gnomAD no frequency). This variant has not been reported in the literature in individuals affected with MTOR-related conditions. Invitae Evidence Modeling of protein sequence and biophysical properties (such as structural, functional, and spatial information, amino acid conservation, physicochemical variation, residue mobility, and thermodynamic stability) indicates that this missense variant is not expected to disrupt MTOR protein function with a negative predictive value of 95%. In summary, the available evidence is currently insufficient to determine the role of this variant in disease. Therefore, it has been classified as a Variant of Uncertain Significance.